The following is an entry in ClinVar:

ClinVar aggregate classification (germline): Uncertain significance (1 of 4 stars; one submission).

Conditions:
Dyskeratosis congenita, autosomal dominant 1 (DKCA1). Also called: Dyskeratosis congenita Scoggins type. Identifiers: Orphanet 1775, MedGen C4551974, MONDO:0007485, OMIM 127550. Inheritance: Variable.

Submission:

Labcorp Genetics (formerly Invitae), Labcorp
Classification: Uncertain significance for Dyskeratosis congenita, autosomal dominant 1. Last evaluated: 2022-02-04. Review status: criteria provided, single submitter. Criteria: Invitae Variant Classification Sherloc (09022015). Collection method: clinical testing. Allele origin: germline.
Comment: In summary, the available evidence is currently insufficient to determine the role of this variant in disease. Therefore, it has been classified as a Variant of Uncertain Significance. This variant is located in a region of TERC in which a significant number of disease causing variants have been reported (PMID: 15082312, 21844345, 21931702). These observations suggest that this may be a clinically significant region. This variant is located within the template/pseudoknot domain of the TERC RNA component, which is required for RNA or RNP stability (PMID: 15082312, 21844345). This variant has not been reported in the literature in individuals affected with TERC-related conditions. This variant is not present in population databases (gnomAD no frequency). This variant occurs in the TERC gene, which encodes an RNA molecule that does not result in a protein product.

Literature cited by the submitters: PubMed 15082312; PubMed 21844345; PubMed 21931702.

NC_000003.12:g.169764877A>G

Genes: TERC (telomerase RNA component; minus strand), LOC110806306 (telomerase RNA component (TERC) promoter; plus strand). Cytogenetic location: 3q26.2.
Variant type: single nucleotide variant.
Genome position: GRCh38 VCF-style: chr3-169764877-A-G. GRCh37 (hg19) VCF-style: chr3-169482665-A-G.
Identifiers: ClinVar variation 1950225 (VCV001950225.5), dbSNP rs2474262333, ClinGen allele CA436715495.